The following is an entry in ClinVar:

NM_015386.3(COG4):c.2004+2T>C

Gene: COG4 (component of oligomeric golgi complex 4; minus strand). Cytogenetic location: 16q22.1.
Variant type: single nucleotide variant.
Coding change: c.2004+2T>C on transcript NM_015386.3 (MANE Select); the canonical splice donor site of the intron after coding-DNA position 2004, T replaced by C.
Molecular consequence: splice donor variant.
Genome position (GRCh38, 1-based): chr16:70,482,090, A>G on the plus strand (T>C on the coding strand, the complement: COG4 is on the minus strand). VCF-style: chr16-70482090-A-G. GRCh37 (hg19) VCF-style: chr16-70515993-A-G.
Other names: c.1929+2T>C (NM_001195139.2); c.1578+2T>C (NM_001365426.1).
Identifiers: ClinVar variation 4856063 (VCV004856063.1).

ClinVar aggregate classification (germline): Uncertain significance (1 of 4 stars; one submission).

Conditions:
COG4-congenital disorder of glycosylation. Also called: COG4-CDG; CONGENITAL DISORDER OF GLYCOSYLATION, TYPE IIj; CDG IIj. Identifiers: Orphanet 263501, MedGen C4303552, MONDO:0013281, OMIM 613489.

Submission:

3billion
Classification: Uncertain significance for COG4-congenital disorder of glycosylation. Last evaluated: 2026-01-27. Review status: criteria provided, single submitter. Criteria: ACMG Guidelines, 2015. Collection method: clinical testing. Allele origin: germline. Affected: yes.
Comment: The variant is not observed in the gnomAD v4.1.0 dataset. Predicted Consequence/Location: Canonical splice site: predicted to alter splicing and result in a loss or disruption of normal protein function. However, functional studies should be performed to observe the exact consequence. In silico tools predict the variant to alter splicing and produce an abnormal transcript [SpliceAI: 0.78 (spliceogenicity >=0.2, non-spliceogenicity <0.1)]. Therefore, this variant is classified as VUS according to the recommendation of ACMG/AMP guideline.